The following is an entry in ClinVar:

NM_005751.5(AKAP9):c.7309C>T (p.Arg2437Cys)

Gene: AKAP9 (A-kinase anchoring protein 9; plus strand). Cytogenetic location: 7q21.2.
Variant type: single nucleotide variant.
Coding change: c.7309C>T on transcript NM_005751.5 (MANE Select); coding-DNA position 7309, C replaced by T.
Protein change: p.Arg2437Cys; replaces arginine 2437 with cysteine.
Molecular consequence: missense variant.
Genome position (GRCh38, 1-based): chr7:92,079,442, C>T. VCF-style: chr7-92079442-C-T. GRCh37 (hg19) VCF-style: chr7-91708756-C-T.
Other names: c.1954C>T, p.Arg652Cys (NM_001379277.1); c.7285C>T, p.Arg2429Cys (NM_147185.3); short protein forms R2429C, R2437C, R652C.
Identifiers: ClinVar variation 661782 (VCV000661782.11), dbSNP rs772366481, ClinGen allele CA4337261.

ClinVar aggregate classification (germline): Uncertain significance. Review status: criteria provided, multiple submitters, no conflicts (2 of 4 stars). 2 submissions from 2 submitters: Uncertain significance (2). Last evaluated 2025-07-02.

Conditions:
Cardiovascular phenotype. Identifiers: MedGen CN230736.
Long QT syndrome (LQTS). Identifiers: MedGen C0023976, MeSH D008133, MONDO:0002442. Disease mechanism: loss of function. Inheritance: Various modes of inheritance.

Allele frequency attached by ClinVar (database versions not stated): TOPMed 0.00001; ExAC 0.00002; gnomAD exomes 0.00002.
gnomAD v4.1: 30 of 1,613,940 alleles (0.0019%); highest among the groups gnomAD compares: Middle Eastern, 0.017%; no homozygotes.

Submissions (2):

Ambry Genetics
Classification: Uncertain significance for Cardiovascular phenotype. Last evaluated: 2025-07-02. Review status: criteria provided, single submitter. Criteria: Ambry Variant Classification Scheme 2023. Collection method: clinical testing. Allele origin: germline.

Labcorp Genetics (formerly Invitae), Labcorp
Classification: Uncertain significance for Long QT syndrome. Last evaluated: 2024-04-29. Review status: criteria provided, single submitter. Criteria: Invitae Variant Classification Sherloc (09022015). Collection method: clinical testing. Allele origin: germline.
Comment: This sequence change replaces arginine, which is basic and polar, with cysteine, which is neutral and slightly polar, at codon 2437 of the AKAP9 protein (p.Arg2437Cys). This variant is present in population databases (rs772366481, gnomAD 0.007%). This variant has not been reported in the literature in individuals affected with AKAP9-related conditions. ClinVar contains an entry for this variant (Variation ID: 661782). Algorithms developed to predict the effect of missense changes on protein structure and function output the following: SIFT: "Not Available"; PolyPhen-2: "Benign"; Align-GVGD: "Not Available". The cysteine amino acid residue is found in multiple mammalian species, which suggests that this missense change does not adversely affect protein function. In summary, the available evidence is currently insufficient to determine the role of this variant in disease. Therefore, it has been classified as a Variant of Uncertain Significance.